The following is an entry in ClinVar:

NM_000051.4(ATM):c.2553_2638+61del

Gene: ATM (ATM serine/threonine kinase; plus strand). Cytogenetic location: 11q22.3.
Variant type: Deletion.
Coding change: c.2553_2638+61del on transcript NM_000051.4 (MANE Select); coding-DNA position 2553 through 61 bases into the intron after coding-DNA position 2638, 147 bases deleted.
Molecular consequence: splice donor variant.
Genome position (GRCh38, 1-based): chr11:108,267,257-108,267,403, 147 bases deleted. GRCh37 (hg19): chr11:108,137,984-108,138,130.
Other names: c.2553_2638+61del147 (NM_000051.3); c.2553_2638+61del (NM_001351834.2).
Identifiers: ClinVar variation 1407237 (VCV001407237.9), dbSNP rs2135507457, ClinGen allele CA2573146420.

ClinVar aggregate classification (germline): Pathogenic/Likely pathogenic. Review status: criteria provided, multiple submitters, no conflicts (2 of 4 stars). 2 submissions from 2 submitters: Pathogenic (1); Likely pathogenic (1). Last evaluated 2025-09-09.

Conditions:
Hereditary cancer-predisposing syndrome. Also called: Neoplastic Syndromes, Hereditary; Hereditary neoplastic syndrome; Hereditary Cancer Syndrome; Tumor predisposition. Identifiers: Orphanet 140162, MedGen C0027672, MeSH D009386, MONDO:0015356.
Ataxia-telangiectasia syndrome (AT). Also called: Ataxia-telangiectasia, complementation group D; AT, COMPLEMENTATION GROUP C; Ataxia-telangiectasia; Ataxia telangiectasia (A-T); Ataxia-telangiectasia, complementation group E; Cerebello-oculocutaneous telangiectasia. Identifiers: Orphanet 100, MedGen C0004135, MONDO:0008840, OMIM 208900.

Submissions (2):

Ambry Genetics
Classification: Likely pathogenic for Hereditary cancer-predisposing syndrome. Last evaluated: 2025-09-09. Review status: criteria provided, single submitter. Criteria: Ambry Variant Classification Scheme 2023. Collection method: clinical testing. Allele origin: germline.
Comment: The c.2553_2638+61del147 gross deletion includes at least a portion of coding exon 16 and involves the canonical splice donor site after coding exon 16 of the ATM gene. The canonical splice donor site is highly conserved in available vertebrate species. In silico splice site analysis predicts that this alteration will weaken the native splice donor site. RNA studies have demonstrated that this alteration results in abnormal splicing in the set of samples tested (Ambry internal data). Alterations that disrupt the canonical splice site are expected to cause aberrant splicing, resulting in an abnormal protein or a transcript that is subject to nonsense-mediated mRNA decay. As such, this alteration is classified as likely pathogenic.

Labcorp Genetics (formerly Invitae), Labcorp
Classification: Pathogenic for Ataxia-telangiectasia syndrome. Last evaluated: 2022-02-18. Review status: criteria provided, single submitter. Criteria: Invitae Variant Classification Sherloc (09022015). Collection method: clinical testing. Allele origin: germline.
Comment: Algorithms developed to predict the effect of sequence changes on RNA splicing suggest that this variant may disrupt the consensus splice site. For these reasons, this variant has been classified as Pathogenic. This variant has been observed in individual(s) with ataxia-telangiectasia and breast cancer, melanoma, thyroid cancer and kidney cancer (PMID: 25122203, 26681312, 26845104). It has also been observed to segregate with disease in related individuals. This variant is not present in population databases (gnomAD no frequency). This variant results in the deletion of part of exon 17 (c.2553_2638+61del) of the ATM gene. It is expected to disrupt RNA splicing. Variants that disrupt the donor or acceptor splice site typically lead to a loss of protein function (PMID: 16199547), and loss-of-function variants in ATM are known to be pathogenic (PMID: 23807571, 25614872).

Literature cited by the submitters: PubMed 25122203 (cited by Labcorp Genetics (formerly Invitae), Labcorp); PubMed 26681312 (cited by Labcorp Genetics (formerly Invitae), Labcorp); PubMed 26845104 (cited by Labcorp Genetics (formerly Invitae), Labcorp); PubMed 16199547 (cited by Labcorp Genetics (formerly Invitae), Labcorp); PubMed 23807571 (cited by Labcorp Genetics (formerly Invitae), Labcorp); PubMed 25614872 (cited by Labcorp Genetics (formerly Invitae), Labcorp).